The following is an entry in ClinVar:

ClinVar aggregate classification (germline): Pathogenic (1 of 4 stars; one submission).

Submission:

GeneDx
Classification: Pathogenic. Last evaluated: 2022-06-30. Review status: criteria provided, single submitter. Criteria: GeneDx Variant Classification Process June 2021. Collection method: clinical testing. Allele origin: germline. Affected: yes.
Comment: Nonsense variant predicted to result in protein truncation or nonsense mediated decay in a gene for which loss of function is a known mechanism of disease; Not observed in large population cohorts (gnomAD); Has not been previously published as pathogenic or benign to our knowledge

NM_001394998.1(TANC2):c.864G>A (p.Trp288Ter)

Gene: TANC2 (tetratricopeptide repeat, ankyrin repeat and coiled-coil containing 2; plus strand). Cytogenetic location: 17q23.3.
Variant type: single nucleotide variant.
Coding change: c.864G>A on transcript NM_001394998.1 (MANE Select); coding-DNA position 864, G replaced by A.
Protein change: p.Trp288Ter; replaces tryptophan 288 with a stop codon.
Molecular consequence: nonsense.
Genome position (GRCh38, 1-based): chr17:63,237,908, G>A. VCF-style: chr17-63237908-G-A. GRCh37 (hg19) VCF-style: chr17-61315269-G-A.
Other names: c.642G>A, p.Trp214Ter (NM_025185.4); short protein forms W214*, W288*.
Identifiers: ClinVar variation 1318856 (VCV001318856.4), dbSNP rs1229328527, ClinGen allele CA400792546.